The following is an entry in ClinVar:

NM_001288705.3(CSF1R):c.224C>T (p.Thr75Ile)

Gene: CSF1R (colony stimulating factor 1 receptor; minus strand). Cytogenetic location: 5q32.
Variant type: single nucleotide variant.
Coding change: c.224C>T on transcript NM_001288705.3 (MANE Select); coding-DNA position 224, C replaced by T.
Protein change: p.Thr75Ile; replaces threonine 75 with isoleucine.
Molecular consequence: missense variant. On other transcripts: 5 prime UTR variant (1), non-coding transcript variant (2).
Genome position (GRCh38, 1-based): chr5:150,080,850, G>A on the plus strand (C>T on the coding strand, the complement: CSF1R is on the minus strand). VCF-style: chr5-150080850-G-A. GRCh37 (hg19) VCF-style: chr5-149460413-G-A.
Other names: c.224C>T, p.Thr75Ile (NM_001349736.2, NM_001375320.1, NM_005211.4); c.-221C>T (NM_001375321.1); short protein forms T75I.
Identifiers: ClinVar variation 352175 (VCV000352175.13), dbSNP rs748096324, ClinGen allele CA3507247.

ClinVar aggregate classification (germline): Benign/Likely benign. Review status: criteria provided, multiple submitters, no conflicts (2 of 4 stars). 2 submissions from 2 submitters: Benign (1); Likely benign (1). Last evaluated 2025-03-26.

Conditions:
Hereditary diffuse leukoencephalopathy with spheroids. Also called: LEUKOENCEPHALOPATHY, ADULT-ONSET, WITH AXONAL SPHEROIDS AND PIGMENTED GLIA. Identifiers: Orphanet 313808, MedGen C3711381, MONDO:0030796.

Allele frequency attached by ClinVar (database versions not stated): TOPMed 0.00005; ExAC 0.00013; gnomAD exomes 0.00002 and 0.00015; gnomAD 0.00005.
gnomAD v4.1: 35 of 1,614,200 alleles (0.0022%); highest among the groups gnomAD compares: East Asian, 0.074%; no homozygotes.

Submissions (2):

Labcorp Genetics (formerly Invitae), Labcorp
Classification: Likely benign. Last evaluated: 2025-03-26. Review status: criteria provided, single submitter. Criteria: Invitae Variant Classification Sherloc (09022015). Collection method: clinical testing. Allele origin: germline.

Illumina Laboratory Services, Illumina
Classification: Benign for Leukoencephalopathy, diffuse hereditary, with spheroids 1. Last evaluated: 2018-01-13. Review status: criteria provided, single submitter. Criteria: ICSL Variant Classification Criteria 13 December 2019. Collection method: clinical testing. Allele origin: germline.
Comment: This variant was observed in the ICSL laboratory as part of a predisposition screen in an ostensibly healthy population. It had not been previously curated by ICSL or reported in the Human Gene Mutation Database (HGMD: prior to June 1st, 2018), and was therefore a candidate for classification through an automated scoring system. Utilizing variant allele frequency, disease prevalence and penetrance estimates, and inheritance mode, an automated score was calculated to assess if this variant is too frequent to cause the disease. Based on the score and internal cut-off values, a variant classified as benign is not then subjected to further curation. The score for this variant resulted in a classification of benign for this disease.